The following is an entry in ClinVar:

ClinVar aggregate classification (germline): Likely pathogenic (1 of 4 stars; one submission).

Conditions:
Inborn genetic diseases. Identifiers: MedGen C0950123, MeSH D030342.

Submission:

Ambry Genetics
Classification: Likely pathogenic for Inborn genetic diseases. Last evaluated: 2024-10-07. Review status: criteria provided, single submitter. Criteria: Ambry Variant Classification Scheme 2023. Collection method: clinical testing. Allele origin: germline.
Comment: The c.367+3_367+5delGAGinsAAA intronic variant begins 3 nucleotides after coding exon 4 in the CSNK2B gene. This variant results from a deletion of 3 nucleotides and an insertion of 3 nucleotides at positions c.367+3 to c.367+5. This variant was not reported in population-based cohorts in the Genome Aggregation Database (gnomAD). Another alteration impacting the same donor site (c.367+6T>C) has been detected in one individual with seizures, mild intellectual disability, and hypotonia (Zhang, 2022). This nucleotide position is not well conserved in available vertebrate species. In silico splice site analysis predicts that this alteration may weaken the native splice donor site. Based on the available evidence, this alteration is classified as likely pathogenic.

Literature cited by the submitters: PubMed 35774559.

NM_001320.7(CSNK2B):c.367+3_367+5delinsAAA

Gene: CSNK2B (casein kinase 2 beta; plus strand). Cytogenetic location: 6p21.33.
Variant type: Indel.
Coding change: c.367+3_367+5delinsAAA on transcript NM_001320.7 (MANE Select); bases 3 to 5 of the intron after coding-DNA position 367, GAG replaced by AAA.
Molecular consequence: intron variant.
Genome position (GRCh38, 1-based): chr6:31,669,175-31,669,177, GAG replaced by AAA. VCF-style: chr6-31669175-GAG-AAA. GRCh37 (hg19) VCF-style: chr6-31636952-GAG-AAA.
Other names: c.367+3_367+5delinsAAA (NM_001282385.2).
Identifiers: ClinVar variation 3497845 (VCV003497845.1).
Genomic context (GRCh38, chr6:31,669,175, plus strand): 5'-GGAGACTTTGGTTACTGTCCTCGTGTGTACTGTGAGAACCAGCCAATGCTTCCCATTGGT[GAG>AAA]TGTTGAAGAAGGGAAAGGAAAGCACCGTGTGGCAGTCTTATGGGAAGGAGTTGGGGCTCA-3'